The following is an entry in ClinVar:

ClinVar aggregate classification (germline): Pathogenic (1 of 4 stars; one submission).

Conditions:
Familial dysfibrinogenemia. Also called: Dysfibrinogenemia, congenital. Identifiers: Orphanet 335, Orphanet 98881, MedGen C0272350, MONDO:0014452, OMIM 616004.

Submission:

Women's Health and Genetics/Laboratory Corporation of America, LabCorp
Classification: Pathogenic for Familial dysfibrinogenemia. Last evaluated: 2023-12-27. Review status: criteria provided, single submitter. Criteria: LabCorp Variant Classification Summary - May 2015. Collection method: clinical testing. Allele origin: germline.
Comment: Variant summary: The variant involves the deletion of exons 1-9 in the FGG gene. A presumed nomenclature of c.(?_-48)_(*664_?)del has been designated for the purposes of this classification. This deletion includes the entire coding sequence of the gene. As the exact proximal and distal breakpoints are unknown, it may extend beyond the annotated region of the gene to include other flanking genes. The variant allele was found at a frequency of 2.3e-06 in 441,905 control chromosomes in the gnomAD database (CNVs v4.0 dataset). To our knowledge, no occurrence of c.(?_-48)_(*664_?)del in individuals affected with Congenital Dysfibrinogenemia and no experimental evidence demonstrating its impact on protein function have been reported. However, several predicted loss of function (pLoF) variants (e.g. nonsense, frameshift) are reported in patients affected with Afibrinogenaemia (HGMD). No submitters have cited clinical-significance assessments for this variant to ClinVar after 2014. Based on the evidence outlined above, the variant was classified as pathogenic.

NC_000004.11:g.(?_155525322)_(155533809_?)del

Gene: FGG (fibrinogen gamma chain; minus strand). Cytogenetic location: 4q31.3.
Variant type: Deletion.
Identifiers: ClinVar variation 2691431 (VCV002691431.1).